The following is an entry in ClinVar:

ClinVar aggregate classification (germline): Likely benign. Review status: criteria provided, multiple submitters, no conflicts (2 of 4 stars). 5 submissions from 5 submitters: Likely benign (5). Last evaluated 2026-02-14.

Conditions:
Arrhythmogenic right ventricular cardiomyopathy (ARVD). Also called: Arrhythmogenic cardiomyopathy; Cardiomyopathy, ARVC; Arrhythmogenic right ventricular dysplasia; Arrhythmogenic Right Ventricular Cardiomyopathy (ARVC). Identifiers: Orphanet 247, MedGen C0349788, MeSH D019571, MONDO:0016587. Disease mechanism: loss of function. Inheritance: Various modes of inheritance.
Cardiomyopathy (CMYO). Also called: Cardiomyopathies. Identifiers: Orphanet 167848, MedGen C0878544, MONDO:0004994, HP:0001638. Inheritance: Various modes of inheritance.
Cardiovascular phenotype. Identifiers: MedGen CN230736.
Arrhythmogenic right ventricular dysplasia 10. Also called: Arrhythmogenic Right Ventricular Dysplasia/Cardiomyopathy10; ARRHYTHMOGENIC RIGHT VENTRICULAR DYSPLASIA, FAMILIAL, 10; Arrhythmogenic right ventricular dysplasia/cardiomyopathy, type 10. Identifiers: MedGen C1857777, MONDO:0012434, OMIM 610193.

Allele frequency attached by ClinVar (database versions not stated): TOPMed 0.00001; gnomAD 0.00003 and 0.00004.
gnomAD v4.1: 27 of 1,613,928 alleles (0.0017%); highest among the groups gnomAD compares: Non-Finnish European, 0.002%; no homozygotes.

Submissions (5):

Ambry Genetics
Classification: Likely benign for Cardiovascular phenotype. Last evaluated: 2026-02-14. Review status: criteria provided, single submitter. Criteria: Ambry Variant Classification Scheme 2023. Collection method: clinical testing. Allele origin: germline.

Labcorp Genetics (formerly Invitae), Labcorp
Classification: Likely benign for Arrhythmogenic right ventricular dysplasia 10. Last evaluated: 2025-08-29. Review status: criteria provided, single submitter. Criteria: Invitae Variant Classification Sherloc (09022015). Collection method: clinical testing. Allele origin: germline.

All of Us Research Program, National Institutes of Health
Classification: Likely benign for Arrhythmogenic right ventricular cardiomyopathy. Last evaluated: 2023-11-30. Review status: criteria provided, single submitter. Criteria: ACMG Guidelines, 2015. Collection method: clinical testing. Allele origin: germline. Inheritance: Autosomal dominant inheritance. Observed: 4 variant alleles, 4 heterozygotes.
Comment: This study involves interpretation of variants in research participants for the purpose of population health screening. Participant phenotype was not available at the time of variant classification. Additional details can be found in publication PMID: 35346344, PMCID: PMC8962531

GeneDx
Classification: Likely benign. Last evaluated: 2021-04-08. Review status: criteria provided, single submitter. Criteria: GeneDx Variant Classification Process June 2021. Collection method: clinical testing. Allele origin: germline. Affected: yes.

Color Diagnostics, LLC DBA Color Health
Classification: Likely benign for Cardiomyopathy. Last evaluated: 2019-06-22. Review status: criteria provided, single submitter. Criteria: ACMG Guidelines, 2015. Collection method: clinical testing. Allele origin: germline.

NM_001943.5(DSG2):c.2043A>T (p.Leu681=)

Genes: DSG2 (desmoglein 2; plus strand), DSG2-AS1 (DSG2 antisense RNA 1; minus strand). Cytogenetic location: 18q12.1.
Variant type: single nucleotide variant.
Coding change: c.2043A>T on transcript NM_001943.5 (MANE Select); coding-DNA position 2043, A replaced by T.
Protein change: p.Leu681=; no amino-acid change (leucine 681 retained).
Molecular consequence: synonymous variant.
Genome position (GRCh38, 1-based): chr18:31,542,561, A>T. VCF-style: chr18-31542561-A-T. GRCh37 (hg19) VCF-style: chr18-29122524-A-T.
Identifiers: ClinVar variation 927290 (VCV000927290.13), dbSNP rs780836969, ClinGen allele CA503598140.
Genomic context (GRCh38, chr18:31,542,561, plus strand): 5'-GCTGTGTTTGCTCTCACAGGTGGTGCCATCATTTCTGCCAGTGGATCAAGGGGGCAGTCT[A>T]GTAGGAAGAAATGGAGTAGGAGGTATGGCCAAGGAAGCCACGATGAAAGGAAGTAGCTCT-3'
Protein context (NP_001934.2, residues 671-691): SFLPVDQGGS[Leu681=]VGRNGVGGMA